The following is an entry in ClinVar:

ClinVar aggregate classification (germline): Uncertain significance. Review status: criteria provided, multiple submitters, no conflicts (2 of 4 stars). 2 submissions from 2 submitters: Uncertain significance (2). Last evaluated 2025-10-14.

Conditions:
Carney complex, type 1 (CNC1). Also called: CARNEY COMPLEX, TYPE I; CARNEY MYXOMA-ENDOCRINE COMPLEX. Identifiers: Orphanet 1359, MedGen C2607929, MONDO:0008057, OMIM 160980.
Hereditary cancer-predisposing syndrome. Also called: Neoplastic Syndromes, Hereditary; Hereditary Cancer Syndrome; Tumor predisposition; Hereditary neoplastic syndrome. Identifiers: Orphanet 140162, MedGen C0027672, MeSH D009386, MONDO:0015356.

Allele frequency attached by ClinVar (database versions not stated): gnomAD exomes below 0.00001.
gnomAD v4.1: 1 of 1,613,960 alleles (0.000062%); highest among the groups gnomAD compares: Admixed American, 0.0017%; no homozygotes.

Submissions (2):

Labcorp Genetics (formerly Invitae), Labcorp
Classification: Uncertain significance for Carney complex, type 1. Last evaluated: 2025-10-14. Review status: criteria provided, single submitter. Criteria: Invitae Variant Classification Sherloc (09022015). Collection method: clinical testing. Allele origin: germline.
Comment: This sequence change replaces aspartic acid, which is acidic and polar, with glutamic acid, which is acidic and polar, at codon 80 of the PRKAR1A protein (p.Asp80Glu). This variant is not present in population databases (gnomAD no frequency). This variant has not been reported in the literature in individuals affected with PRKAR1A-related conditions. ClinVar contains an entry for this variant (Variation ID: 855283). Invitae Evidence Modeling incorporating data from in vitro experimental studies (internal data) indicates that this missense variant is expected to disrupt PRKAR1A function with a positive predictive value of 95%. In summary, the available evidence is currently insufficient to determine the role of this variant in disease. Therefore, it has been classified as a Variant of Uncertain Significance.

Ambry Genetics
Classification: Uncertain significance for Hereditary cancer-predisposing syndrome. Last evaluated: 2025-06-20. Review status: criteria provided, single submitter. Criteria: Ambry Variant Classification Scheme 2023. Collection method: clinical testing. Allele origin: germline.
Comment: The p.D80E variant (also known as c.240T>G), located in coding exon 2 of the PRKAR1A gene, results from a T to G substitution at nucleotide position 240. The aspartic acid at codon 80 is replaced by glutamic acid, an amino acid with highly similar properties. This amino acid position is not well conserved in available vertebrate species. In addition, this alteration is predicted to be tolerated by in silico analysis. Based on the available evidence, the clinical significance of this variant remains unclear.

NM_002734.5(PRKAR1A):c.240T>G (p.Asp80Glu)

Gene: PRKAR1A (protein kinase cAMP-dependent type I regulatory subunit alpha; plus strand). Cytogenetic location: 17q24.2.
Variant type: single nucleotide variant.
Coding change: c.240T>G on transcript NM_002734.5 (MANE Select); coding-DNA position 240, T replaced by G.
Protein change: p.Asp80Glu; replaces aspartic acid 80 with glutamic acid.
Molecular consequence: missense variant.
Genome position (GRCh38, 1-based): chr17:68,522,818, T>G. VCF-style: chr17-68522818-T-G. GRCh37 (hg19) VCF-style: chr17-66518959-T-G.
Other names: c.240T>G, p.Asp80Glu (NM_001276289.2, NM_001276290.1, NM_001278433.2 and 4 more transcripts); short protein forms D80E.
Identifiers: ClinVar variation 855283 (VCV000855283.13), dbSNP rs2085658662, ClinGen allele CA400752292.